The following is an entry in ClinVar:

NM_001369.3(DNAH5):c.5272-37T>G

Gene: DNAH5 (dynein axonemal heavy chain 5; minus strand). Cytogenetic location: 5p15.2.
Variant type: single nucleotide variant.
Coding change: c.5272-37T>G on transcript NM_001369.3 (MANE Select); 37 bases into the intron before coding-DNA position 5272, T replaced by G.
Molecular consequence: intron variant.
Genome position (GRCh38, 1-based): chr5:13,841,941, A>C on the plus strand (T>G on the coding strand, the complement: DNAH5 is on the minus strand). VCF-style: chr5-13841941-A-C. GRCh37 (hg19) VCF-style: chr5-13842050-A-C.
Identifiers: ClinVar variation 4982532 (VCV004982532.1).

ClinVar aggregate classification (germline): Likely benign (1 of 4 stars; one submission).

Conditions:
DNAH5-related disorder. Also called: DNAH5-related condition.

Submission:

PreventionGenetics, part of Exact Sciences
Classification: Likely benign for DNAH5-related condition. Last evaluated: 2024-12-06. Review status: criteria provided, single submitter. Criteria: ACMG Guidelines, 2015. Collection method: clinical testing. Allele origin: germline.
Comment: This variant is classified as likely benign based on ACMG/AMP sequence variant interpretation guidelines (Richards et al. 2015 PMID: 25741868, with internal and published modifications).